The following is an entry in ClinVar:

NM_001267550.2(TTN):c.105214G>C (p.Glu35072Gln)

Genes: TTN (titin; minus strand), TTN-AS1 (TTN antisense RNA 1; plus strand). Cytogenetic location: 2q31.2.
Variant type: single nucleotide variant.
Coding change: c.105214G>C on transcript NM_001267550.2 (MANE Select); coding-DNA position 105214, G replaced by C.
Protein change: p.Glu35072Gln; replaces glutamic acid 35072 with glutamine.
Molecular consequence: missense variant.
Genome position (GRCh38, 1-based): chr2:178,531,401, C>G on the plus strand (G>C on the coding strand, the complement: TTN is on the minus strand). VCF-style: chr2-178531401-C-G. GRCh37 (hg19) VCF-style: chr2-179396128-C-G.
Other names: c.100291G>C, p.Glu33431Gln (NM_001256850.1); c.78019G>C, p.Glu26007Gln (NM_003319.4); c.97510G>C, p.Glu32504Gln (NM_133378.4); c.78394G>C, p.Glu26132Gln (NM_133432.3); c.78595G>C, p.Glu26199Gln (NM_133437.4); short protein forms E26007Q, E33431Q, E26199Q, E35072Q, E32504Q, E26132Q.
Identifiers: ClinVar variation 1443495 (VCV001443495.6), dbSNP rs2154133487, ClinGen allele CA349409252.

ClinVar aggregate classification (germline): Uncertain significance (1 of 4 stars; one submission).

Conditions:
Dilated cardiomyopathy 1G (CMD1G). Identifiers: Orphanet 154, MedGen C1858763, MONDO:0011400, OMIM 604145.
Autosomal recessive limb-girdle muscular dystrophy type 2J (LGMDR10). Also called: MUSCULAR DYSTROPHY, LIMB-GIRDLE, AUTOSOMAL RECESSIVE 10; Limb-girdle muscular dystrophy, type 2J. Identifiers: Orphanet 140922, MedGen C1837342, MONDO:0012127, OMIM 608807.

Submission:

Labcorp Genetics (formerly Invitae), Labcorp
Classification: Uncertain significance for Dilated cardiomyopathy 1G; Autosomal recessive limb-girdle muscular dystrophy type 2J. Last evaluated: 2022-11-01. Review status: criteria provided, single submitter. Criteria: Invitae Variant Classification Sherloc (09022015). Collection method: clinical testing. Allele origin: germline.
Comment: This variant has not been reported in the literature in individuals affected with TTN-related conditions. This variant is not present in population databases (gnomAD no frequency). This sequence change replaces glutamic acid with glutamine at codon 35072 of the TTN protein (p.Glu35072Gln). There is a small physicochemical difference between glutamic acid and glutamine. ClinVar contains an entry for this variant (Variation ID: 1443495). In summary, the available evidence is currently insufficient to determine the role of this variant in disease. Therefore, it has been classified as a Variant of Uncertain Significance. This variant is located in the M band of TTN (PMID: 25589632). Variants in this region may be relevant for neuromuscular disorders, but have not been definitively shown to cause cardiomyopathy (PMID: 23975875). Experimental studies and prediction algorithms are not available or were not evaluated, and the functional significance of this variant is currently unknown.

Literature cited by the submitters: PubMed 25589632; PubMed 23975875.